The following is an entry in ClinVar:

ClinVar aggregate classification (germline): Uncertain significance (1 of 4 stars; one submission).

Submission:

GeneDx
Classification: Uncertain significance. Last evaluated: 2021-04-19. Review status: criteria provided, single submitter. Criteria: GeneDx Variant Classification Process June 2021. Collection method: clinical testing. Allele origin: germline. Affected: yes.
Comment: Not observed in large population cohorts (Lek et al., 2016); In silico analysis supports that this missense variant has a deleterious effect on protein structure/function; Has not been previously published as pathogenic or benign to our knowledge

NM_000836.4(GRIN2D):c.460C>G (p.Pro154Ala)

Genes: GRIN2D (glutamate ionotropic receptor NMDA type subunit 2D; plus strand), LOC130064856 (ATAC-STARR-seq lymphoblastoid silent region 10880; plus strand). Cytogenetic location: 19q13.33.
Variant type: single nucleotide variant.
Coding change: c.460C>G on transcript NM_000836.4 (MANE Select); coding-DNA position 460, C replaced by G.
Protein change: p.Pro154Ala; replaces proline 154 with alanine.
Molecular consequence: missense variant.
Genome position (GRCh38, 1-based): chr19:48,398,852, C>G. VCF-style: chr19-48398852-C-G. GRCh37 (hg19) VCF-style: chr19-48902109-C-G.
Other names: short protein forms P154A.
Identifiers: ClinVar variation 1314752 (VCV001314752.2), dbSNP rs957638664, ClinGen allele CA406689267.
Genomic context (GRCh38, chr19:48,398,852, plus strand): 5'-TCGGCGCAGACCTCGCTGCCCATCGTGGCCGTGCACGGCGGCGCCGCGCTCGTGCTCACG[C>G]CCAAGGTGCGCGCGACCGGGGCGGGGCGGGGCCACAGGAGGGGCGGGGACAGCCGCTGAG-3'
Protein context (NP_000827.2, residues 144-164): VHGGAALVLT[Pro154Ala]KEKGSTFLQL